The following is an entry in ClinVar:

NM_000186.4(CFH):c.100A>T (p.Thr34Ser)

Gene: CFH (complement factor H; plus strand). Cytogenetic location: 1q31.3.
Variant type: single nucleotide variant.
Coding change: c.100A>T on transcript NM_000186.4 (MANE Select); coding-DNA position 100, A replaced by T.
Protein change: p.Thr34Ser; replaces threonine 34 with serine.
Molecular consequence: missense variant.
Genome position (GRCh38, 1-based): chr1:196,673,019, A>T. VCF-style: chr1-196673019-A-T. GRCh37 (hg19) VCF-style: chr1-196642149-A-T.
Other names: c.100A>T, p.Thr34Ser (NM_001014975.3); short protein forms T34S.
Identifiers: ClinVar variation 1355886 (VCV001355886.10), dbSNP rs1389897706, ClinGen allele CA343995479.

ClinVar aggregate classification (germline): Uncertain significance. Review status: criteria provided, multiple submitters, no conflicts (2 of 4 stars). 6 submissions from 3 submitters: Uncertain significance (6). Last evaluated 2023-04-11.

Conditions:
Basal laminar drusen. Also called: DRUSEN OF BRUCH MEMBRANE; DRUSEN, CUTICULAR; DRUSEN, EARLY ADULT-ONSET, GROUPED. Identifiers: Orphanet 75376, MedGen C0730295, MONDO:0007472, OMIM 126700.
Factor H deficiency (CFHD). Also called: CFH DEFICIENCY; COMPLEMENT FACTOR H DEFICIENCY. Identifiers: Orphanet 200421, MedGen C0398777, MONDO:0012350, OMIM 609814.
Age related macular degeneration 4. Identifiers: MedGen C1853147, MONDO:0012540, OMIM 610698.
Hemolytic uremic syndrome, atypical, susceptibility to, 1. Also called: AHUS, SUSCEPTIBILITY TO, 1. Identifiers: Orphanet 2134, Orphanet 90038, MedGen C2749604, MONDO:0009335, OMIM 235400. Disease mechanism: Other.

Allele frequency attached by ClinVar (database versions not stated): TOPMed below 0.00001; gnomAD 0.00001.
gnomAD v4.1: 1 of 1,613,916 alleles (0.000062%); highest among the groups gnomAD compares: African/African-American, 0.0013%; no homozygotes.

Submissions (6):

Genome-Nilou Lab
Classification: Uncertain significance for Hemolytic uremic syndrome, atypical, susceptibility to, 1. Last evaluated: 2023-04-11. Review status: criteria provided, single submitter. Criteria: ACMG Guidelines, 2015. Collection method: clinical testing. Allele origin: germline. Affected: no.

Genome-Nilou Lab
Classification: Uncertain significance for Age related macular degeneration 4. Last evaluated: 2023-04-11. Review status: criteria provided, single submitter. Criteria: ACMG Guidelines, 2015. Collection method: clinical testing. Allele origin: germline. Affected: no.

Genome-Nilou Lab
Classification: Uncertain significance for Basal laminar drusen. Last evaluated: 2023-04-11. Review status: criteria provided, single submitter. Criteria: ACMG Guidelines, 2015. Collection method: clinical testing. Allele origin: germline. Affected: no.

Genome-Nilou Lab
Classification: Uncertain significance for Factor H deficiency. Last evaluated: 2023-04-11. Review status: criteria provided, single submitter. Criteria: ACMG Guidelines, 2015. Collection method: clinical testing. Allele origin: germline. Affected: no.

Fulgent Genetics
Classification: Uncertain significance for Basal laminar drusen; Hemolytic uremic syndrome, atypical, susceptibility to, 1; Factor H deficiency; Age related macular degeneration 4. Last evaluated: 2022-05-19. Review status: criteria provided, single submitter. Criteria: ACMG Guidelines, 2015. Collection method: clinical testing. Allele origin: unknown.

Labcorp Genetics (formerly Invitae), Labcorp
Classification: Uncertain significance. Last evaluated: 2021-05-21. Review status: criteria provided, single submitter. Criteria: Invitae Variant Classification Sherloc (09022015). Collection method: clinical testing. Allele origin: germline.
Comment: Algorithms developed to predict the effect of missense changes on protein structure and function output the following: SIFT: "Tolerated"; PolyPhen-2: "Benign"; Align-GVGD: "Class C0". The serine amino acid residue is found in multiple mammalian species, suggesting that this missense change does not adversely affect protein function. These predictions have not been confirmed by published functional studies and their clinical significance is uncertain. This sequence change replaces threonine with serine at codon 34 of the CFH protein (p.Thr34Ser). The threonine residue is weakly conserved and there is a small physicochemical difference between threonine and serine. This variant is not present in population databases (ExAC no frequency). This variant has not been reported in the literature in individuals with CFH-related conditions. In summary, the available evidence is currently insufficient to determine the role of this variant in disease. Therefore, it has been classified as a Variant of Uncertain Significance.